The following is an entry in ClinVar:

NM_001379500.1(COL18A1):c.3379C>T (p.Arg1127Cys)

Genes: COL18A1 (collagen type XVIII alpha 1 chain; plus strand), SLC19A1 (solute carrier family 19 member 1; minus strand). Cytogenetic location: 21q22.3.
Variant type: single nucleotide variant.
Coding change: c.3379C>T on transcript NM_001379500.1 (MANE Select); coding-DNA position 3379, C replaced by T.
Protein change: p.Arg1127Cys; replaces arginine 1127 with cysteine.
Molecular consequence: missense variant.
Genome position (GRCh38, 1-based): chr21:45,509,485, C>T. VCF-style: chr21-45509485-C-T. GRCh37 (hg19) VCF-style: chr21-46929399-C-T.
Other names: c.3910C>T, p.Arg1304Cys (NM_030582.4); c.4615C>T, p.Arg1539Cys (NM_130444.3); short protein forms R1304C, R1539C, R1127C.
Identifiers: ClinVar variation 1446046 (VCV001446046.4), dbSNP rs375753362, ClinGen allele CA10067872.

ClinVar aggregate classification (germline): Uncertain significance (1 of 4 stars; one submission).

Allele frequency attached by ClinVar (database versions not stated): gnomAD 0.00001; TOPMed 0.00002; ExAC 0.00007.
gnomAD v4.1: 37 of 1,526,574 alleles (0.0024%); highest among the groups gnomAD compares: South Asian, 0.013%; no homozygotes.

Submission:

Labcorp Genetics (formerly Invitae), Labcorp
Classification: Uncertain significance. Last evaluated: 2024-07-01. Review status: criteria provided, single submitter. Criteria: Invitae Variant Classification Sherloc (09022015). Collection method: clinical testing. Allele origin: germline.
Comment: This sequence change replaces arginine, which is basic and polar, with cysteine, which is neutral and slightly polar, at codon 1124 of the COL18A1 protein (p.Arg1124Cys). This variant is present in population databases (rs375753362, gnomAD 0.009%). This variant has not been reported in the literature in individuals affected with COL18A1-related conditions. ClinVar contains an entry for this variant (Variation ID: 1446046). Experimental studies and prediction algorithms are not available or were not evaluated, and the functional significance of this variant is currently unknown. In summary, the available evidence is currently insufficient to determine the role of this variant in disease. Therefore, it has been classified as a Variant of Uncertain Significance.